The following is an entry in ClinVar:

ClinVar aggregate classification (germline): Uncertain significance. Review status: criteria provided, multiple submitters, no conflicts (2 of 4 stars). 2 submissions from 2 submitters: Uncertain significance (2). Last evaluated 2025-11-24.

Conditions:
Inborn genetic diseases. Identifiers: MedGen C0950123, MeSH D030342.
Singleton-Merten syndrome 1 (SGMRT1). Also called: Widened medullary cavities of bone, aortic calcification, abnormal dentition, and muscular weakness; Syndrome of widened medullary cavities of the metacarpals and phalanges, aortic calcification and abnormal dentition. Identifiers: Orphanet 85191, MedGen C4225427, MONDO:0024535, OMIM 182250.
Aicardi-Goutieres syndrome 7 (AGS7). Identifiers: Orphanet 51, MedGen C3888244, MONDO:0014367, OMIM 615846.

Allele frequency attached by ClinVar (database versions not stated): gnomAD 0.00001.

Submissions (2):

Ambry Genetics
Classification: Uncertain significance for Inborn genetic diseases. Last evaluated: 2025-11-24. Review status: criteria provided, single submitter. Criteria: Ambry Variant Classification Scheme 2023. Collection method: clinical testing. Allele origin: germline.

Labcorp Genetics (formerly Invitae), Labcorp
Classification: Uncertain significance for Aicardi-Goutieres syndrome 7; Singleton-Merten syndrome 1. Last evaluated: 2025-05-30. Review status: criteria provided, single submitter. Criteria: Invitae Variant Classification Sherloc (09022015). Collection method: clinical testing. Allele origin: germline.
Comment: This sequence change replaces glutamic acid, which is acidic and polar, with aspartic acid, which is acidic and polar, at codon 868 of the IFIH1 protein (p.Glu868Asp). This variant is present in population databases (no rsID available, gnomAD 0.0008%). This variant has not been reported in the literature in individuals affected with IFIH1-related conditions. ClinVar contains an entry for this variant (Variation ID: 1425063). An algorithm developed to predict the effect of missense changes on protein structure and function outputs the following: PolyPhen-2: "Benign". The aspartic acid amino acid residue is found in multiple mammalian species, which suggests that this missense change does not adversely affect protein function. In summary, the available evidence is currently insufficient to determine the role of this variant in disease. Therefore, it has been classified as a Variant of Uncertain Significance.

NM_022168.4(IFIH1):c.2604G>T (p.Glu868Asp)

Gene: IFIH1 (interferon induced with helicase C domain 1; minus strand). Cytogenetic location: 2q24.2.
Variant type: single nucleotide variant.
Coding change: c.2604G>T on transcript NM_022168.4 (MANE Select); coding-DNA position 2604, G replaced by T.
Protein change: p.Glu868Asp; replaces glutamic acid 868 with aspartic acid.
Molecular consequence: missense variant.
Genome position (GRCh38, 1-based): chr2:162,272,238, C>A on the plus strand (G>T on the coding strand, the complement: IFIH1 is on the minus strand). VCF-style: chr2-162272238-C-A. GRCh37 (hg19) VCF-style: chr2-163128748-C-A.
Other names: c.2604G>T (NM_022168.2); short protein forms E868D.
Identifiers: ClinVar variation 1425063 (VCV001425063.9), dbSNP rs760907862, ClinGen allele CA348993857.
Genomic context (GRCh38, chr2:162,272,238, plus strand): 5'-TGCCGCCATTTTTAAATGAAAATCAAATTCAGAGGTGACCAACAATACCTTATGAGCATA[C>A]TCCTCTGGTTTCATATTTTGAACACAATGTATAGCTTTATACATCATCTTCTCTCGGAAA-3'
Protein context (NP_071451.2, residues 858-878): IHCVQNMKPE[Glu868Asp]YAHKILELQM